The following is an entry in ClinVar:

NM_015910.7(WDPCP):c.60C>T (p.Ser20=)

Gene: WDPCP (WD repeat containing planar cell polarity effector; minus strand). Cytogenetic location: 2p15.
Variant type: single nucleotide variant.
Coding change: c.60C>T on transcript NM_015910.7 (MANE Select); coding-DNA position 60, C replaced by T.
Protein change: p.Ser20=; no amino-acid change (serine 20 retained).
Molecular consequence: synonymous variant. On other transcripts: 5 prime UTR variant (1), non-coding transcript variant (2).
Genome position (GRCh38, 1-based): chr2:63,588,212, G>A on the plus strand (C>T on the coding strand, the complement: WDPCP is on the minus strand). VCF-style: chr2-63588212-G-A. GRCh37 (hg19) VCF-style: chr2-63815346-G-A.
Other names: c.-265C>T (NM_001354044.2); c.60C>T, p.Ser20= (NM_001354045.2); c.60C>T (NM_015910.5).
Identifiers: ClinVar variation 2200243 (VCV002200243.6), dbSNP rs757553495, ClinGen allele CA426392257.
Genomic context (GRCh38, chr2:63,588,212, plus strand): 5'-TCCTAAGGTTAAAAGAAAACCCCTTGCCCTCGGGCCAGGGCTCACCTGTCTCGGGAGTGG[G>A]GAAGAAGCGCGACTCCCGGCCGCTTTGGAGTAGGCGTCCCAGCAAAACTCTCGCCTCATC-3'
Protein context (NP_056994.3, residues 10-30): YSKAAGSRAS[Ser20=]PLPRQDRDSF

ClinVar aggregate classification (germline): Likely benign. Review status: criteria provided, single submitter (1 of 4 stars). 2 submissions from 2 submitters: Likely benign (1). 1 of the submissions does not count toward it. Last evaluated 2024-07-02.

Conditions:
Bardet-Biedl syndrome (BBS). Identifiers: Orphanet 110, MedGen C0752166, MONDO:0015229.
WDPCP-related disorder. Also called: WDPCP-related condition.

gnomAD v4.1: 3 of 1,572,040 alleles (0.00019%); highest among the groups gnomAD compares: East Asian, 0.0024%; no homozygotes.

Submissions (2):

Labcorp Genetics (formerly Invitae), Labcorp
Classification: Likely benign for Bardet-Biedl syndrome. Last evaluated: 2024-07-02. Review status: criteria provided, single submitter. Criteria: Invitae Variant Classification Sherloc (09022015). Collection method: clinical testing. Allele origin: germline.

PreventionGenetics, part of Exact Sciences
Classification: Likely benign for WDPCP-related condition. Last evaluated: 2019-12-29. Review status: no assertion criteria provided. Collection method: clinical testing. Allele origin: germline. Not counted in ClinVar's aggregate classification.
Comment: This variant is classified as likely benign based on ACMG/AMP sequence variant interpretation guidelines (Richards et al. 2015 PMID: 25741868, with internal and published modifications).